The following is an entry in ClinVar:

NM_001378454.1(ALMS1):c.8205T>G (p.Gly2735=)

Gene: ALMS1 (ALMS1 centrosome and basal body associated protein; plus strand). Cytogenetic location: 2p13.1.
Variant type: single nucleotide variant.
Coding change: c.8205T>G on transcript NM_001378454.1 (MANE Select); coding-DNA position 8205, T replaced by G.
Protein change: p.Gly2735=; no amino-acid change (glycine 2735 retained).
Molecular consequence: synonymous variant.
Genome position (GRCh38, 1-based): chr2:73,490,164, T>G. VCF-style: chr2-73490164-T-G. GRCh37 (hg19) VCF-style: chr2-73717291-T-G.
Other names: c.8208T>G, p.Gly2736= (NM_015120.4).
Identifiers: ClinVar variation 1661941 (VCV001661941.10), dbSNP rs2103891015, ClinGen allele CA427001137.

ClinVar aggregate classification (germline): Likely benign. Review status: criteria provided, multiple submitters, no conflicts (2 of 4 stars). 3 submissions from 3 submitters: Likely benign (2). 1 of the submissions does not count toward it. Last evaluated 2024-10-02.

Conditions:
ALMS1-related disorder. Also called: ALMS1-related condition.
Alstrom syndrome (ALMS). Identifiers: Orphanet 64, MedGen C0268425, MONDO:0008763, OMIM 203800.

Submissions (3):

PreventionGenetics, part of Exact Sciences
Classification: Likely benign for ALMS1-related condition. Last evaluated: 2024-10-02. Review status: criteria provided, single submitter. Criteria: ACMG Guidelines, 2015. Collection method: clinical testing. Allele origin: germline.
Comment: This variant is classified as likely benign based on ACMG/AMP sequence variant interpretation guidelines (Richards et al. 2015 PMID: 25741868, with internal and published modifications).

Labcorp Genetics (formerly Invitae), Labcorp
Classification: Likely benign for Alstrom syndrome. Last evaluated: 2021-06-03. Review status: criteria provided, single submitter. Criteria: Invitae Variant Classification Sherloc (09022015). Collection method: clinical testing. Allele origin: germline.

Natera, Inc.
Classification: Uncertain significance for Alstrom syndrome. Last evaluated: 2025-01-14. Review status: no assertion criteria provided. Collection method: clinical testing. Allele origin: germline. Not counted in ClinVar's aggregate classification.